The following is an entry in ClinVar:

ClinVar aggregate classification (germline): Benign/Likely benign. Review status: criteria provided, multiple submitters, no conflicts (2 of 4 stars). 3 submissions from 3 submitters: Benign (1); Likely benign (1). 1 of the submissions does not count toward it. Last evaluated 2026-01-14.

Conditions:
Mitochondrial complex I deficiency. Also called: NADH:Q(1) OXIDOREDUCTASE DEFICIENCY. Identifiers: Orphanet 2609, MedGen C1838979, MeSH C537475, MONDO:0100133.
NDUFAF5-related disorder. Also called: NDUFAF5-related condition.

Allele frequency attached by ClinVar (database versions not stated): gnomAD 0.00001 and 0.00009; TOPMed 0.00002; ESP Exome Variant Server 0.00008; 1000 Genomes Project 30x 0.00094; 1000 Genomes Project 0.00100.
gnomAD v4.1: 155 of 1,613,524 alleles (0.0096%); highest among the groups gnomAD compares: South Asian, 0.16%; 2 homozygotes.

Submissions (3):

PreventionGenetics, part of Exact Sciences
Classification: Likely benign for NDUFAF5-related condition. Last evaluated: 2026-01-14. Review status: criteria provided, single submitter. Criteria: ACMG Guidelines, 2015. Collection method: clinical testing. Allele origin: germline.
Comment: This variant is classified as likely benign based on ACMG/AMP sequence variant interpretation guidelines (Richards et al. 2015 PMID: 25741868, with internal and published modifications).

Labcorp Genetics (formerly Invitae), Labcorp
Classification: Benign. Last evaluated: 2025-09-22. Review status: criteria provided, single submitter. Criteria: Invitae Variant Classification Sherloc (09022015). Collection method: clinical testing. Allele origin: germline.

Natera, Inc.
Classification: Likely benign for Mitochondrial complex I deficiency. Last evaluated: 2020-07-22. Review status: no assertion criteria provided. Collection method: clinical testing. Allele origin: germline. Not counted in ClinVar's aggregate classification.

NM_024120.5(NDUFAF5):c.263+8G>A

Gene: NDUFAF5 (NADH:ubiquinone oxidoreductase complex assembly factor 5; plus strand). Cytogenetic location: 20p12.1.
Variant type: single nucleotide variant.
Coding change: c.263+8G>A on transcript NM_024120.5 (MANE Select); 8 bases into the intron after coding-DNA position 263, G replaced by A.
Molecular consequence: intron variant.
Genome position (GRCh38, 1-based): chr20:13,787,360, G>A. VCF-style: chr20-13787360-G-A. GRCh37 (hg19) VCF-style: chr20-13768006-G-A.
Other names: c.-299+8G>A (NM_001352407.2); c.-319+8G>A (NM_001352406.2); c.263+8G>A (NM_001039375.3, NM_001352408.2); c.-105+8G>A (NM_001352403.2).
Identifiers: ClinVar variation 764098 (VCV000764098.13), dbSNP rs200867652, ClinGen allele CA9767671.